The following is an entry in ClinVar:

ClinVar aggregate classification (germline): Uncertain significance (1 of 4 stars; one submission).

Conditions:
Retinoblastoma (RB1). Also called: RETINOBLASTOMA, SOMATIC. Identifiers: Orphanet 790, MedGen C0035335, MeSH D012175, MONDO:0008380, OMIM 180200, HP:0009919. Disease mechanism: loss of function. Inheritance: Both sporadic and heritable forms are tested..

gnomAD v4.1: 3 of 1,310,516 alleles (0.00023%); highest among the groups gnomAD compares: East Asian, 0.0093%; no homozygotes.

Submission:

Labcorp Genetics (formerly Invitae), Labcorp
Classification: Uncertain significance for Retinoblastoma. Last evaluated: 2025-10-23. Review status: criteria provided, single submitter. Criteria: Invitae Variant Classification Sherloc (09022015). Collection method: clinical testing. Allele origin: germline.
Comment: This variant occurs in a non-coding region of the RB1 gene. It does not change the encoded amino acid sequence of the RB1 protein. This variant is not present in population databases (gnomAD no frequency). This variant has not been reported in the literature in individuals affected with RB1-related conditions. In summary, the available evidence is currently insufficient to determine the role of this variant in disease. Therefore, it has been classified as a Variant of Uncertain Significance.

NM_000321.3(RB1):c.-138T>C

Gene: RB1 (RB transcriptional corepressor 1; plus strand). Cytogenetic location: 13q14.2.
Variant type: single nucleotide variant.
Coding change: c.-138T>C on transcript NM_000321.3 (MANE Select); 138 bases upstream of the start codon, T replaced by C.
Molecular consequence: 5 prime UTR variant.
Genome position (GRCh38, 1-based): chr13:48,303,775, T>C. VCF-style: chr13-48303775-T-C. GRCh37 (hg19) VCF-style: chr13-48877911-T-C.
Other names: c.-138T>C (NM_001407165.1, NM_001407166.1, NM_001407167.1).
Identifiers: ClinVar variation 4752605 (VCV004752605.1).